The following is an entry in ClinVar:

ClinVar aggregate classification (germline): Conflicting classifications of pathogenicity. Review status: criteria provided, conflicting classifications (1 of 4 stars). 4 submissions from 3 submitters: Uncertain significance (1); Benign (2); Likely benign (1). Last evaluated 2025-12-25.

Conditions:
Hereditary angioedema type 3 (HAE3). Also called: HAE WITH NORMAL C1 INHIBITOR CONCENTRATION AND FUNCTION; ANGIONEUROTIC EDEMA, HEREDITARY, WITH NORMAL C1 INHIBITOR CONCENTRATION AND FUNCTION; ESTROGEN-RELATED HAE; ESTROGEN-SENSITIVE HAE. Identifiers: Orphanet 100054, MedGen C1857728, MONDO:0012526, OMIM 610618.
Factor XII deficiency disease. Also called: F12 DEFICIENCY; HAF DEFICIENCY; Congenital factor XII deficiency; Reduced factor XII activity. Identifiers: Orphanet 330, MedGen C0015526, MONDO:0009315, OMIM 234000, HP:0004841.

Allele frequency attached by ClinVar (database versions not stated): 1000 Genomes Project 30x 0.00031; 1000 Genomes Project 0.00040; ExAC 0.00073; TOPMed 0.00081; gnomAD 0.00239.
gnomAD v4.1: 1,080 of 1,594,920 alleles (0.068%); highest among the groups gnomAD compares: African/African-American, 0.14%; 3 homozygotes.

Submissions (4):

Labcorp Genetics (formerly Invitae), Labcorp
Classification: Benign. Last evaluated: 2025-12-25. Review status: criteria provided, single submitter. Criteria: Invitae Variant Classification Sherloc (09022015). Collection method: clinical testing. Allele origin: germline.

Blueprint Genetics
Classification: Likely benign. Last evaluated: 2024-11-20. Review status: criteria provided, single submitter. Criteria: ACMG Guidelines, 2015. Collection method: clinical testing. Allele origin: germline.

Illumina Laboratory Services, Illumina
Classification: Uncertain significance for Factor XII deficiency disease. Last evaluated: 2018-01-12. Review status: criteria provided, single submitter. Criteria: ICSL Variant Classification Criteria 13 December 2019. Collection method: clinical testing. Allele origin: germline.

Illumina Laboratory Services, Illumina
Classification: Benign for Hereditary angioedema type 3. Last evaluated: 2018-01-12. Review status: criteria provided, single submitter. Criteria: ICSL Variant Classification Criteria 13 December 2019. Collection method: clinical testing. Allele origin: germline.
Comment: This variant was observed in the ICSL laboratory as part of a predisposition screen in an ostensibly healthy population. It had not been previously curated by ICSL or reported in the Human Gene Mutation Database (HGMD: prior to June 1st, 2018), and was therefore a candidate for classification through an automated scoring system. Utilizing variant allele frequency, disease prevalence and penetrance estimates, and inheritance mode, an automated score was calculated to assess if this variant is too frequent to cause the disease. Based on the score and internal cut-off values, a variant classified as benign is not then subjected to further curation. The score for this variant resulted in a classification of benign for this disease.

NM_000505.4(F12):c.1018+13G>C

Gene: F12 (coagulation factor XII; minus strand). Cytogenetic location: 5q35.3.
Variant type: single nucleotide variant.
Coding change: c.1018+13G>C on transcript NM_000505.4 (MANE Select); 13 bases into the intron after coding-DNA position 1018, G replaced by C.
Molecular consequence: intron variant.
Genome position (GRCh38, 1-based): chr5:177,404,183, C>G on the plus strand (G>C on the coding strand, the complement: F12 is on the minus strand). VCF-style: chr5-177404183-C-G. GRCh37 (hg19) VCF-style: chr5-176831184-C-G.
Identifiers: ClinVar variation 352994 (VCV000352994.9), dbSNP rs552424629, ClinGen allele CA3581317.
Genomic context (GRCh38, chr5:177,404,183, plus strand): 5'-CCGCGGCCGGCTGGCCGGAATCTAGCTCGCCCGGCGCCCTCTCGGCTCCTCCTTCCCCCC[C>G]CCACTTCCTAACCTCCCGGGGTCTGGGACTGAGGCGGGGTCCGGGTCGTGGGCTGAGGCT-3'